The following is an entry in ClinVar:

ClinVar aggregate classification (germline): Uncertain significance (1 of 4 stars; one submission).

Conditions:
KIDINS220-related disorder. Also called: KIDINS220-related condition.

Submission:

PreventionGenetics, part of Exact Sciences
Classification: Uncertain significance for KIDINS220-related condition. Last evaluated: 2025-11-12. Review status: criteria provided, single submitter. Criteria: ACMG Guidelines, 2015. Collection method: clinical testing. Allele origin: germline.
Comment: The KIDINS220 c.1615T>A variant is predicted to result in the amino acid substitution p.Phe539Ile. To our knowledge, this variant has not been reported in the literature or in a large population database (gnomAD), indicating this variant is rare. At this time, the clinical significance of this variant is uncertain due to the absence of conclusive functional and genetic evidence.

NM_020738.4(KIDINS220):c.1615T>A (p.Phe539Ile)

Gene: KIDINS220 (kinase D interacting substrate 220; minus strand). Cytogenetic location: 2p25.1.
Variant type: single nucleotide variant.
Coding change: c.1615T>A on transcript NM_020738.4 (MANE Select); coding-DNA position 1615, T replaced by A.
Protein change: p.Phe539Ile; replaces phenylalanine 539 with isoleucine.
Molecular consequence: missense variant. On other transcripts: non-coding transcript variant (2).
Genome position (GRCh38, 1-based): chr2:8,789,886, A>T on the plus strand (T>A on the coding strand, the complement: KIDINS220 is on the minus strand). VCF-style: chr2-8789886-A-T. GRCh37 (hg19) VCF-style: chr2-8930016-A-T.
Other names: c.1618T>A, p.Phe540Ile (NM_001348729.2, NM_001348731.2, NM_001348734.2 and 3 more transcripts); c.1615T>A, p.Phe539Ile (NM_001348732.2, NM_001348735.2, NM_001348738.2 and 3 more transcripts); c.1489T>A, p.Phe497Ile (NM_001348736.2); short protein forms F497I, F539I, F540I.
Identifiers: ClinVar variation 4994311 (VCV004994311.1).